The following is an entry in ClinVar:

ClinVar aggregate classification (germline): Uncertain significance. Review status: criteria provided, multiple submitters, no conflicts (2 of 4 stars). 2 submissions from 2 submitters: Uncertain significance (2). Last evaluated 2025-04-14.

Conditions:
Beckwith-Wiedemann syndrome (BWS). Also called: Exomphalos macroglossia gigantism syndrome; EMG SYNDROME. Identifiers: Orphanet 116, MedGen C0004903, MONDO:0007534, OMIM 130650.

Allele frequency attached by ClinVar (database versions not stated): gnomAD exomes below 0.00001.
gnomAD v4.1: 1 of 1,543,510 alleles (0.000065%); highest among the groups gnomAD compares: Non-Finnish European, 0.000087%; no homozygotes.

Submissions (2):

Labcorp Genetics (formerly Invitae), Labcorp
Classification: Uncertain significance for Beckwith-Wiedemann syndrome. Last evaluated: 2025-04-14. Review status: criteria provided, single submitter. Criteria: Invitae Variant Classification Sherloc (09022015). Collection method: clinical testing. Allele origin: germline.
Comment: This sequence change replaces aspartic acid, which is acidic and polar, with asparagine, which is neutral and polar, at codon 290 of the CDKN1C protein (p.Asp290Asn). The frequency data for this variant in the population databases is considered unreliable, as metrics indicate poor data quality at this position in the gnomAD database. This variant has not been reported in the literature in individuals affected with CDKN1C-related conditions. ClinVar contains an entry for this variant (Variation ID: 1411471). Invitae Evidence Modeling of protein sequence and biophysical properties (such as structural, functional, and spatial information, amino acid conservation, physicochemical variation, residue mobility, and thermodynamic stability) indicates that this missense variant is not expected to disrupt CDKN1C protein function with a negative predictive value of 80%. In summary, the available evidence is currently insufficient to determine the role of this variant in disease. Therefore, it has been classified as a Variant of Uncertain Significance.

Baylor Genetics
Classification: Uncertain significance for Beckwith-Wiedemann syndrome. Last evaluated: 2023-09-19. Review status: criteria provided, single submitter. Criteria: ACMG Guidelines, 2015. Collection method: clinical testing. Allele origin: unknown.

NM_001122630.2(CDKN1C):c.835G>A (p.Asp279Asn)

Gene: CDKN1C (cyclin dependent kinase inhibitor 1C; minus strand). Cytogenetic location: 11p15.4.
Variant type: single nucleotide variant.
Coding change: c.835G>A on transcript NM_001122630.2 (MANE Select); coding-DNA position 835, G replaced by A.
Protein change: p.Asp279Asn; replaces aspartic acid 279 with asparagine.
Molecular consequence: missense variant. On other transcripts: synonymous variant (1).
Genome position (GRCh38, 1-based): chr11:2,884,087, C>T on the plus strand (G>A on the coding strand, the complement: CDKN1C is on the minus strand). VCF-style: chr11-2884087-C-T. GRCh37 (hg19) VCF-style: chr11-2905317-C-T.
Other names: c.868G>A, p.Asp290Asn (NM_000076.2, NM_001362474.2); c.835G>A, p.Asp279Asn (NM_001122631.2); c.303G>A, p.Ala101= (NM_001362475.2); short protein forms D279N, D290N.
Identifiers: ClinVar variation 1411471 (VCV001411471.9), dbSNP rs1352481541, ClinGen allele CA379144965.